The following is an entry in ClinVar:

ClinVar aggregate classification (germline): Likely benign (1 of 4 stars; one submission).

Conditions:
Pituitary hormone deficiency, combined, 6. Identifiers: MedGen C3151440, MONDO:0013518, OMIM 613986.

Allele frequency attached by ClinVar (database versions not stated): gnomAD 0.00015 and 0.00023; TOPMed 0.00028; gnomAD exomes 0.00031; 1000 Genomes Project 0.00120; 1000 Genomes Project 30x 0.00172.
gnomAD v4.1: 110 of 407,746 alleles (0.027%); highest among the groups gnomAD compares: East Asian, 0.58%; no homozygotes.

Submission:

Illumina Laboratory Services, Illumina
Classification: Likely benign for Pituitary hormone deficiency, combined, 6. Last evaluated: 2018-01-13. Review status: criteria provided, single submitter. Criteria: ICSL Variant Classification Criteria 13 December 2019. Collection method: clinical testing. Allele origin: germline.
Comment: This variant was observed in the ICSL laboratory as part of a predisposition screen in an ostensibly healthy population. It had not been previously curated by ICSL or reported in the Human Gene Mutation Database (HGMD: prior to June 1st, 2018), and was therefore a candidate for classification through an automated scoring system. Utilizing variant allele frequency, disease prevalence and penetrance estimates, and inheritance mode, an automated score was calculated to assess if this variant is too frequent to cause the disease. Based on the score and internal cut-off values, a variant classified as likely benign is not then subjected to further curation. The score for this variant resulted in a classification of likely benign for this disease.

NM_021728.4(OTX2):c.*316G>A

Gene: OTX2 (orthodenticle homeobox 2; minus strand). Cytogenetic location: 14q22.3.
Variant type: single nucleotide variant.
Coding change: c.*316G>A on transcript NM_021728.4 (MANE Select); 316 bases downstream of the stop codon, G replaced by A.
Molecular consequence: 3 prime UTR variant. On other transcripts: non-coding transcript variant (2).
Genome position (GRCh38, 1-based): chr14:56,801,419, C>T on the plus strand (G>A on the coding strand, the complement: OTX2 is on the minus strand). VCF-style: chr14-56801419-C-T. GRCh37 (hg19) VCF-style: chr14-57268137-C-T.
Other names: c.*316G>A (NM_001270523.2, NM_001270524.2, NM_001270525.2 and 1 more transcripts).
Identifiers: ClinVar variation 313415 (VCV000313415.6), dbSNP rs142727455, ClinGen allele CA10644340.